The following is an entry in ClinVar:

ClinVar aggregate classification (germline): Pathogenic (1 of 4 stars; one submission).

Submission:

Labcorp Genetics (formerly Invitae), Labcorp
Classification: Pathogenic. Last evaluated: 2021-06-05. Review status: criteria provided, single submitter. Criteria: Invitae Variant Classification Sherloc (09022015). Collection method: clinical testing. Allele origin: germline.
Comment: This sequence change creates a premature translational stop signal (p.Glu848Serfs*4) in the COL27A1 gene. It is expected to result in an absent or disrupted protein product. Loss-of-function variants in COL27A1 are known to be pathogenic (PMID: 24986830, 28276056). This variant is not present in population databases (ExAC no frequency). This variant has not been reported in the literature in individuals with COL27A1-related conditions. For these reasons, this variant has been classified as Pathogenic.

Literature cited by the submitters: PubMed 24986830; PubMed 28276056.

NM_032888.4(COL27A1):c.2542del (p.Glu848fs)

Gene: COL27A1 (collagen type XXVII alpha 1 chain; plus strand). Cytogenetic location: 9q32.
Variant type: Deletion.
Coding change: c.2542del on transcript NM_032888.4 (MANE Select); coding-DNA position 2542, one base deleted (G; older notation c.2542delG).
Protein change: p.Glu848fs; shifts the reading frame from glutamic acid 848.
Molecular consequence: frameshift variant.
Genome position (GRCh38, 1-based): chr9:114,231,843, G deleted; the last of 5 consecutive G bases (chr9:114,231,839-114,231,843); deleting any one gives the same sequence. VCF-style (leftmost placement, unchanged base first): chr9-114231838-TG-T. GRCh37 (hg19) VCF-style: chr9-116994118-TG-T.
Other names: short protein forms E848fs.
Identifiers: ClinVar variation 1438526 (VCV001438526.6), dbSNP rs2135434002, ClinGen allele CA466775436.